The following is an entry in ClinVar:

ClinVar aggregate classification (germline): Conflicting classifications of pathogenicity. Review status: criteria provided, conflicting classifications (1 of 4 stars). 2 submissions from 2 submitters: Likely pathogenic (1); Uncertain significance (1). Last evaluated 2025-04-25.

Conditions:
Snijders Blok-Campeau syndrome. Also called: INTELLECTUAL DEVELOPMENTAL DISORDER WITH MACROCEPHALY, SPEECH DELAY, AND DYSMORPHIC FACIES. Identifiers: Orphanet 599082, MedGen C4748701, MONDO:0032600, OMIM 618205.

Allele frequency attached by ClinVar (database versions not stated): gnomAD exomes below 0.00001.

Submissions (2):

GeneDx
Classification: Likely pathogenic. Last evaluated: 2025-04-25. Review status: criteria provided, single submitter. Criteria: GeneDx Variant Classification Process June 2021. Collection method: clinical testing. Allele origin: germline. Affected: yes.
Comment: Not observed at significant frequency in large population cohorts (gnomAD); In silico analysis supports that this missense variant has a deleterious effect on protein structure/function; Has not been previously published as pathogenic or benign to our knowledge

3billion
Classification: Uncertain significance for Snijders Blok-Campeau syndrome. Last evaluated: 2023-12-02. Review status: criteria provided, single submitter. Criteria: ACMG Guidelines, 2015. Collection method: clinical testing. Allele origin: germline. Affected: yes.
Comment: The variant is not observed in the gnomAD v2.1.1 dataset. Predicted Consequence/Location: Missense changes are a common disease-causing mechanism. In silico tool predictions suggest damaging effect of the variant on gene or gene product [REVEL: 0.90 (>=0.6, sensitivity 0.68 and specificity 0.92); 3Cnet: 0.96 (>=0.6, sensitivity 0.72 and precision 0.9)]. Therefore, this variant is classified as VUS according to the recommendation of ACMG/AMP guideline.

NM_001005273.3(CHD3):c.3050C>T (p.Ser1017Leu)

Gene: CHD3 (chromodomain helicase DNA binding protein 3; plus strand). Cytogenetic location: 17p13.1.
Variant type: single nucleotide variant.
Coding change: c.3050C>T on transcript NM_001005273.3 (MANE Select); coding-DNA position 3050, C replaced by T.
Protein change: p.Ser1017Leu; replaces serine 1017 with leucine.
Molecular consequence: missense variant.
Genome position (GRCh38, 1-based): chr17:7,900,923, C>T. VCF-style: chr17-7900923-C-T. GRCh37 (hg19) VCF-style: chr17-7804241-C-T.
Other names: c.3227C>T, p.Ser1076Leu (NM_001005271.3); c.3050C>T, p.Ser1017Leu (NM_005852.4); short protein forms S1017L, S1076L.
Identifiers: ClinVar variation 1723569 (VCV001723569.4), dbSNP rs2544958607, ClinGen allele CA397940963.
Genomic context (GRCh38, chr17:7,900,923, plus strand): 5'-AATACATCCTGACTCGAAATTTTGAGGCCTTGAATTCACGAGGTGGTGGGAACCAGGTGT[C>T]GCTGCTTAATATCATGATGGATCTTAAGAAGTGCTGCAACCATCCATACCTTTTTCCCGT-3'
Protein context (NP_001005273.1, residues 1007-1027): LNSRGGGNQV[Ser1017Leu]LLNIMMDLKK